The following is an entry in ClinVar:

NM_001365536.1(SCN9A):c.3541A>G (p.Ile1181Val)

Genes: SCN1A-AS1 (SCN1A and SCN9A antisense RNA 1; plus strand), SCN9A (sodium voltage-gated channel alpha subunit 9; minus strand). Cytogenetic location: 2q24.3.
Variant type: single nucleotide variant.
Coding change: c.3541A>G on transcript NM_001365536.1 (MANE Select); coding-DNA position 3541, A replaced by G.
Protein change: p.Ile1181Val; replaces isoleucine 1181 with valine.
Molecular consequence: missense variant.
Genome position (GRCh38, 1-based): chr2:166,242,588, T>C on the plus strand (A>G on the coding strand, the complement: SCN9A is on the minus strand). VCF-style: chr2-166242588-T-C. GRCh37 (hg19) VCF-style: chr2-167099098-T-C.
Other names: c.3508A>G, p.Ile1170Val (NM_002977.4); short protein forms I1181V, I1170V.
Identifiers: ClinVar variation 1403945 (VCV001403945.6), dbSNP rs1056153064, ClinGen allele CA59814611.
Genomic context (GRCh38, chr2:166,242,588, plus strand): 5'-TGAGGACAATGAAGCTTTCAAACCAACTGTGTTCAACAATCTTGTAGCAGGTTTTCCTGA[T>C]GTTCCACCAGATTTTTCCTTTCCCTGACTCTATGTTAACTTGGCAGCATGAGAACCTCCA-3'
Protein context (NP_001352465.1, residues 1171-1191): ESGKGKIWWN[Ile1181Val]RKTCYKIVEH

ClinVar aggregate classification (germline): Uncertain significance (1 of 4 stars; one submission).

Conditions:
Neuropathy, hereditary sensory and autonomic, type 2A (HSAN2A). Also called: WNK1-Related HSAN2 (HSAN2A); MORVAN DISEASE; NEUROPATHY, CONGENITAL SENSORY; NEUROPATHY, HEREDITARY SENSORY RADICULAR, AUTOSOMAL RECESSIVE; NEUROPATHY, HEREDITARY SENSORY, TYPE IIA; NEUROPATHY, PROGRESSIVE SENSORY, OF CHILDREN. Identifiers: Orphanet 970, MedGen C2752089, MONDO:0024309, OMIM 201300.
Generalized epilepsy with febrile seizures plus, type 7 (GEFSP7). Also called: GEFS+, TYPE 7. Identifiers: Orphanet 36387, MedGen C2751778, MONDO:0013470, OMIM 613863.

Allele frequency attached by ClinVar (database versions not stated): gnomAD exomes below 0.00001; gnomAD 0.00001; TOPMed 0.00001.
gnomAD v4.1: 4 of 1,565,600 alleles (0.00026%); highest among the groups gnomAD compares: Non-Finnish European, 0.00035%; no homozygotes.

Submission:

Labcorp Genetics (formerly Invitae), Labcorp
Classification: Uncertain significance for Neuropathy, hereditary sensory and autonomic, type 2A; Generalized epilepsy with febrile seizures plus, type 7. Last evaluated: 2022-07-26. Review status: criteria provided, single submitter. Criteria: Invitae Variant Classification Sherloc (09022015). Collection method: clinical testing. Allele origin: germline.
Comment: This sequence change replaces isoleucine, which is neutral and non-polar, with valine, which is neutral and non-polar, at codon 1170 of the SCN9A protein (p.Ile1170Val). This variant is not present in population databases (gnomAD no frequency). This variant has not been reported in the literature in individuals affected with SCN9A-related conditions. ClinVar contains an entry for this variant (Variation ID: 1403945). Algorithms developed to predict the effect of missense changes on protein structure and function output the following: SIFT: "Tolerated"; PolyPhen-2: "Benign"; Align-GVGD: "Class C15". The valine amino acid residue is found in multiple mammalian species, which suggests that this missense change does not adversely affect protein function. Algorithms developed to predict the effect of sequence changes on RNA splicing suggest that this variant may create or strengthen a splice site. In summary, the available evidence is currently insufficient to determine the role of this variant in disease. Therefore, it has been classified as a Variant of Uncertain Significance.